The following is an entry in ClinVar:

ClinVar aggregate classification (germline): Uncertain significance. Review status: criteria provided, multiple submitters, no conflicts (2 of 4 stars). 2 submissions from 2 submitters: Uncertain significance (2). Last evaluated 2024-06-18.

Conditions:
Fanconi anemia complementation group I (FANCI). Also called: FANCI-Related Fanconi Anemia. Identifiers: Orphanet 84, MedGen C1836861, MONDO:0012186, OMIM 609053.
Fanconi anemia (FA). Also called: Fanconi's anemia. Identifiers: Orphanet 84, MedGen C0015625, MeSH D005199, MONDO:0019391.

Allele frequency attached by ClinVar (database versions not stated): gnomAD exomes 0.00001 and 0.00003; ExAC 0.00004.
gnomAD v4.1: 12 of 1,552,328 alleles (0.00077%); highest among the groups gnomAD compares: Non-Finnish European, 0.00087%; no homozygotes.

Submissions (2):

Fulgent Genetics
Classification: Uncertain significance for Fanconi anemia complementation group I. Last evaluated: 2024-06-18. Review status: criteria provided, single submitter. Criteria: ACMG Guidelines, 2015. Collection method: clinical testing. Allele origin: germline.

Labcorp Genetics (formerly Invitae), Labcorp
Classification: Uncertain significance for Fanconi anemia. Last evaluated: 2022-07-19. Review status: criteria provided, single submitter. Criteria: Invitae Variant Classification Sherloc (09022015). Collection method: clinical testing. Allele origin: germline.
Comment: Algorithms developed to predict the effect of missense changes on protein structure and function output the following: SIFT: "Tolerated"; PolyPhen-2: "Benign"; Align-GVGD: "Class C0". The asparagine amino acid residue is found in multiple mammalian species, which suggests that this missense change does not adversely affect protein function. This sequence change replaces serine, which is neutral and polar, with asparagine, which is neutral and polar, at codon 835 of the FANCI protein (p.Ser835Asn). This variant is present in population databases (rs778626493, gnomAD 0.007%). This variant has not been reported in the literature in individuals affected with FANCI-related conditions. ClinVar contains an entry for this variant (Variation ID: 1507205). In summary, the available evidence is currently insufficient to determine the role of this variant in disease. Therefore, it has been classified as a Variant of Uncertain Significance.

NM_001113378.2(FANCI):c.2504G>A (p.Ser835Asn)

Gene: FANCI (FA complementation group I; plus strand). Cytogenetic location: 15q26.1.
Variant type: single nucleotide variant.
Coding change: c.2504G>A on transcript NM_001113378.2 (MANE Select); coding-DNA position 2504, G replaced by A.
Protein change: p.Ser835Asn; replaces serine 835 with asparagine.
Molecular consequence: missense variant. On other transcripts: intron variant (1).
Genome position (GRCh38, 1-based): chr15:89,294,962, G>A. VCF-style: chr15-89294962-G-A. GRCh37 (hg19) VCF-style: chr15-89838193-G-A.
Other names: c.2225G>A, p.Ser742Asn (NM_001376910.1); c.2504G>A, p.Ser835Asn (NM_001376911.1); c.2456+965G>A (NM_018193.3); short protein forms S742N, S835N.
Identifiers: ClinVar variation 1507205 (VCV001507205.5), dbSNP rs778626493, ClinGen allele CA7723400.